The following is an entry in ClinVar:

ClinVar aggregate classification (germline): Uncertain significance. Review status: criteria provided, multiple submitters, no conflicts (2 of 4 stars). 2 submissions from 2 submitters: Uncertain significance (2). Last evaluated 2023-10-20.

Conditions:
Dyskeratosis congenita. Identifiers: Orphanet 1775, MedGen C0265965, MONDO:0015780.

Submissions (2):

Labcorp Genetics (formerly Invitae), Labcorp
Classification: Uncertain significance for Dyskeratosis congenita. Last evaluated: 2023-10-20. Review status: criteria provided, single submitter. Criteria: Invitae Variant Classification Sherloc (09022015). Collection method: clinical testing. Allele origin: germline.
Comment: This sequence change replaces alanine, which is neutral and non-polar, with glycine, which is neutral and non-polar, at codon 364 of the DKC1 protein (p.Ala364Gly). This variant is not present in population databases (gnomAD no frequency). This variant has not been reported in the literature in individuals affected with DKC1-related conditions. ClinVar contains an entry for this variant (Variation ID: 1314028). Advanced modeling of protein sequence and biophysical properties (such as structural, functional, and spatial information, amino acid conservation, physicochemical variation, residue mobility, and thermodynamic stability) performed at Invitae indicates that this missense variant is expected to disrupt DKC1 protein function. In summary, the available evidence is currently insufficient to determine the role of this variant in disease. Therefore, it has been classified as a Variant of Uncertain Significance.

GeneDx
Classification: Uncertain significance. Last evaluated: 2021-08-24. Review status: criteria provided, single submitter. Criteria: GeneDx Variant Classification Process June 2021. Collection method: clinical testing. Allele origin: germline. Affected: yes.
Comment: Not observed at significant frequency in large population cohorts (Lek et al., 2016); In silico analysis supports that this missense variant has a deleterious effect on protein structure/function; Has not been previously published as pathogenic or benign to our knowledge

NM_001363.5(DKC1):c.1091C>G (p.Ala364Gly)

Gene: DKC1 (dyskerin pseudouridine synthase 1; plus strand). Cytogenetic location: Xq28.
Variant type: single nucleotide variant.
Coding change: c.1091C>G on transcript NM_001363.5 (MANE Select); coding-DNA position 1091, C replaced by G.
Protein change: p.Ala364Gly; replaces alanine 364 with glycine.
Molecular consequence: missense variant. On other transcripts: non-coding transcript variant (3).
Genome position (GRCh38, 1-based): chrX:154,773,185, C>G. VCF-style: chrX-154773185-C-G. GRCh37 (hg19) VCF-style: chrX-154001460-C-G.
Other names: c.1091C>G, p.Ala364Gly (NM_001142463.3, NM_001288747.2); short protein forms A364G.
Identifiers: ClinVar variation 1314028 (VCV001314028.5), dbSNP rs2148515101, ClinGen allele CA414895348.
Genomic context (GRCh38, chrX:154,773,185, plus strand): 5'-CTGTAGCTATTGCATTAATGACCACAGCGGTCATCTCTACCTGCGACCATGGTATAGTAG[C>G]CAAGATCAAGAGAGTGATCATGGAGAGAGACACTTACCCTCGGAAGTGGGGTTTAGGTCC-3'
Protein context (NP_001354.1, residues 354-374): VISTCDHGIV[Ala364Gly]KIKRVIMERD